The following is an entry in ClinVar:

ClinVar aggregate classification (germline): Uncertain significance (1 of 4 stars; one submission).

Conditions:
Inborn genetic diseases. Identifiers: MedGen C0950123, MeSH D030342.

Submission:

Ambry Genetics
Classification: Uncertain significance for Inborn genetic diseases. Last evaluated: 2025-10-14. Review status: criteria provided, single submitter. Criteria: Ambry Variant Classification Scheme 2023. Collection method: clinical testing. Allele origin: germline.
Comment: The p.I247S variant (also known as c.740T>G), located in coding exon 1 of the SAMD9 gene, results from a T to G substitution at nucleotide position 740. The isoleucine at codon 247 is replaced by serine, an amino acid with dissimilar properties. This amino acid position is conserved. In addition, the in silico prediction for this alteration is inconclusive. Based on the available evidence, the clinical significance of this variant remains unclear.

NM_017654.4(SAMD9):c.740T>G (p.Ile247Ser)

Gene: SAMD9 (sterile alpha motif domain containing 9; minus strand). Cytogenetic location: 7q21.2.
Variant type: single nucleotide variant.
Coding change: c.740T>G on transcript NM_017654.4 (MANE Select); coding-DNA position 740, T replaced by G.
Protein change: p.Ile247Ser; replaces isoleucine 247 with serine.
Molecular consequence: missense variant.
Genome position (GRCh38, 1-based): chr7:93,105,358, A>C on the plus strand (T>G on the coding strand, the complement: SAMD9 is on the minus strand). VCF-style: chr7-93105358-A-C. GRCh37 (hg19) VCF-style: chr7-92734671-A-C.
Other names: c.740T>G, p.Ile247Ser (NM_001193307.2); short protein forms I247S.
Identifiers: ClinVar variation 4629869 (VCV004629869.1).